The following is an entry in ClinVar:

ClinVar aggregate classification (germline): Uncertain significance (1 of 4 stars; one submission).

Conditions:
Candidiasis, familial, 9 (CANDF9). Identifiers: Orphanet 1334, MedGen C4225324, MONDO:0014642, OMIM 616445.

gnomAD v4.1: 15 of 1,606,540 alleles (0.00093%); highest among the groups gnomAD compares: East Asian, 0.0022%; no homozygotes.

Submission:

Labcorp Genetics (formerly Invitae), Labcorp
Classification: Uncertain significance for Candidiasis, familial, 9. Last evaluated: 2025-03-16. Review status: criteria provided, single submitter. Criteria: Invitae Variant Classification Sherloc (09022015). Collection method: clinical testing. Allele origin: germline.
Comment: This sequence change replaces glycine, which is neutral and non-polar, with arginine, which is basic and polar, at codon 776 of the IL17RC protein (p.Gly776Arg). The frequency data for this variant in the population databases is considered unreliable, as metrics indicate poor data quality at this position in the gnomAD database. This variant has not been reported in the literature in individuals affected with IL17RC-related conditions. An algorithm developed to predict the effect of missense changes on protein structure and function outputs the following: PolyPhen-2: "Not Available". The arginine amino acid residue is found in multiple mammalian species, which suggests that this missense change does not adversely affect protein function. In summary, the available evidence is currently insufficient to determine the role of this variant in disease. Therefore, it has been classified as a Variant of Uncertain Significance.

NM_153460.4(IL17RC):c.2113G>A (p.Gly705Arg)

Genes: IL17RC (interleukin 17 receptor C; plus strand), LOC129936144 (ATAC-STARR-seq lymphoblastoid silent region 14051; plus strand). Cytogenetic location: 3p25.3.
Variant type: single nucleotide variant.
Coding change: c.2113G>A on transcript NM_153460.4 (MANE Select); coding-DNA position 2113, G replaced by A.
Protein change: p.Gly705Arg; replaces glycine 705 with arginine.
Molecular consequence: missense variant. On other transcripts: non-coding transcript variant (1).
Genome position (GRCh38, 1-based): chr3:9,933,543, G>A. VCF-style: chr3-9933543-G-A. GRCh37 (hg19) VCF-style: chr3-9975227-G-A.
Other names: c.2074G>A, p.Gly692Arg (NM_001203263.2); c.2023G>A, p.Gly675Arg (NM_001203264.2); c.2017G>A, p.Gly673Arg (NM_001203265.2); c.2035G>A, p.Gly679Arg (NM_001367278.1); c.1954G>A, p.Gly652Arg (NM_001367279.1); c.2029G>A, p.Gly677Arg (NM_001367280.1); c.1978G>A, p.Gly660Arg (NM_001410711.1); c.2068G>A, p.Gly690Arg (NM_032732.6); and 1 more; short protein forms G660R, G692R, G705R, G675R, G673R, G679R, G776R, G652R.
Identifiers: ClinVar variation 4778212 (VCV004778212.1).